The following is an entry in ClinVar:

ClinVar aggregate classification (germline): Uncertain significance (1 of 4 stars; one submission).

Allele frequency attached by ClinVar (database versions not stated): gnomAD exomes below 0.00001.
gnomAD v4.1: 1 of 1,614,112 alleles (0.000062%); highest among the groups gnomAD compares: South Asian, 0.0011%; no homozygotes.

Submission:

Labcorp Genetics (formerly Invitae), Labcorp
Classification: Uncertain significance. Last evaluated: 2022-12-08. Review status: criteria provided, single submitter. Criteria: Invitae Variant Classification Sherloc (09022015). Collection method: clinical testing. Allele origin: germline.
Comment: This sequence change replaces asparagine, which is neutral and polar, with aspartic acid, which is acidic and polar, at codon 27 of the ZMIZ1 protein (p.Asn27Asp). This variant is not present in population databases (gnomAD no frequency). This variant has not been reported in the literature in individuals affected with ZMIZ1-related conditions. Algorithms developed to predict the effect of missense changes on protein structure and function are either unavailable or do not agree on the potential impact of this missense change (SIFT: "Deleterious"; PolyPhen-2: "Probably Damaging"; Align-GVGD: "Class C0"). In summary, the available evidence is currently insufficient to determine the role of this variant in disease. Therefore, it has been classified as a Variant of Uncertain Significance.

NM_020338.4(ZMIZ1):c.79A>G (p.Asn27Asp)

Gene: ZMIZ1 (zinc finger MIZ-type containing 1; plus strand). Cytogenetic location: 10q22.3.
Variant type: single nucleotide variant.
Coding change: c.79A>G on transcript NM_020338.4 (MANE Select); coding-DNA position 79, A replaced by G.
Protein change: p.Asn27Asp; replaces asparagine 27 with aspartic acid.
Molecular consequence: missense variant.
Genome position (GRCh38, 1-based): chr10:79,208,354, A>G. VCF-style: chr10-79208354-A-G. GRCh37 (hg19) VCF-style: chr10-80968111-A-G.
Other names: short protein forms N27D.
Identifiers: ClinVar variation 2803883 (VCV002803883.3), dbSNP rs2493370280, ClinGen allele CA377413199.